The following is an entry in ClinVar:

NM_178857.6(RP1L1):c.2781C>A (p.Thr927=)

Gene: RP1L1 (RP1 like 1). Cytogenetic location: 8p23.1.
Variant type: single nucleotide variant.
Coding change: c.2781C>A on transcript NM_178857.6 (MANE Select); coding-DNA position 2781, C replaced by A.
Protein change: p.Thr927=; no amino-acid change (threonine 927 retained).
Molecular consequence: synonymous variant.
Genome position (GRCh38, 1-based): chr8:10,611,317, G>T on the plus strand (C>A on the coding strand, the complement: RP1L1 is on the minus strand). VCF-style: chr8-10611317-G-T. GRCh37 (hg19) VCF-style: chr8-10468827-G-T.
Other names: c.2781C>A (NM_178857.5).
Identifiers: ClinVar variation 4899256 (VCV004899256.2).
Genomic context (GRCh38, chr8:10,611,317, plus strand): 5'-AGAGCTGGGTGACACACCACTGGCCTCCTCCTGCCCCTGGGGGCCTCCCCCACTCCTCAA[G>T]GTCTTCTCCTCGGACAGCCCCCGAGACCCCGCACCCTGGCTGGCACTGCTTCTCCTTGAT-3'
Protein context (NP_849188.4, residues 917-937): AGSRGLSEEK[Thr927=]LRSGGGPQGQ

ClinVar aggregate classification (germline): Likely benign. Review status: criteria provided, multiple submitters, no conflicts (2 of 4 stars). 2 submissions from 2 submitters: Likely benign (2). Last evaluated 2024-11-10.

Conditions:
RP1L1-related disorder. Also called: RP1L1-related condition.

gnomAD v4.1: 19 of 1,612,772 alleles (0.0012%); highest among the groups gnomAD compares: East Asian, 0.0089%; no homozygotes.

Submissions (2):

PreventionGenetics, part of Exact Sciences
Classification: Likely benign for RP1L1-related condition. Last evaluated: 2024-11-10. Review status: criteria provided, single submitter. Criteria: ACMG Guidelines, 2015. Collection method: clinical testing. Allele origin: germline.
Comment: This variant is classified as likely benign based on ACMG/AMP sequence variant interpretation guidelines (Richards et al. 2015 PMID: 25741868, with internal and published modifications).

Blueprint Genetics
Classification: Likely benign. Last evaluated: 2024-08-09. Review status: criteria provided, single submitter. Criteria: ACMG Guidelines, 2015. Collection method: clinical testing. Allele origin: germline.